The following is an entry in ClinVar:

ClinVar aggregate classification (germline): Uncertain significance (1 of 4 stars; one submission).

Submission:

Labcorp Genetics (formerly Invitae), Labcorp
Classification: Uncertain significance. Last evaluated: 2024-05-28. Review status: criteria provided, single submitter. Criteria: Invitae Variant Classification Sherloc (09022015). Collection method: clinical testing. Allele origin: germline.
Comment: This sequence change replaces methionine, which is neutral and non-polar, with leucine, which is neutral and non-polar, at codon 43 of the MYH7B protein (p.Met43Leu). This variant is present in population databases (rs377286674, gnomAD 0.006%). This variant has not been reported in the literature in individuals affected with MYH7B-related conditions. An algorithm developed to predict the effect of missense changes on protein structure and function (PolyPhen-2) suggests that this variant is likely to be tolerated. In summary, the available evidence is currently insufficient to determine the role of this variant in disease. Therefore, it has been classified as a Variant of Uncertain Significance.

NM_020884.7(MYH7B):c.1A>C (p.Met1Leu)

Gene: MYH7B (myosin heavy chain 7B; plus strand). Cytogenetic location: 20q11.22.
Variant type: single nucleotide variant.
Coding change: c.1A>C on transcript NM_020884.7 (MANE Select); coding-DNA position 1, A replaced by C.
Protein change: p.Met1Leu; changes the start codon (methionine 1).
Molecular consequence: missense variant, initiator codon variant.
Genome position (GRCh38, 1-based): chr20:34,978,006, A>C. VCF-style: chr20-34978006-A-C. GRCh37 (hg19) VCF-style: chr20-33565809-A-C.
Other names: short protein forms M1L.
Identifiers: ClinVar variation 3691118 (VCV003691118.2).